The following is an entry in ClinVar:

ClinVar aggregate classification (germline): Pathogenic (1 of 4 stars; one submission).

Conditions:
De Lange syndrome (CDLS). Also called: Cornelia de Lange syndrome; CDL. Identifiers: Orphanet 199, MedGen C0270972, MONDO:0016033.

Submission:

Department of Medical Genetics, National Institute of Health
Classification: Pathogenic for De Lange syndrome. Last evaluated: 2024-03-27. Review status: criteria provided, single submitter. Criteria: ACMG Guidelines, 2015. Collection method: clinical testing. Allele origin: de novo. Inheritance: X-linked dominant inheritance. Affected: yes. Observed: 1 hemizygote.
Comment: Segregation analysis revealed it's de novo. According to ACMG guidelienes, this variant is Pathogenic.

NM_006306.4(SMC1A):c.664C>T (p.Gln222Ter)

Gene: SMC1A (structural maintenance of chromosomes 1A; minus strand). Cytogenetic location: Xp11.22.
Variant type: single nucleotide variant.
Coding change: c.664C>T on transcript NM_006306.4 (MANE Select); coding-DNA position 664, C replaced by T.
Protein change: p.Gln222Ter; replaces glutamine 222 with a stop codon.
Molecular consequence: nonsense.
Genome position (GRCh38, 1-based): chrX:53,413,090, G>A on the plus strand (C>T on the coding strand, the complement: SMC1A is on the minus strand). VCF-style: chrX-53413090-G-A. GRCh37 (hg19) VCF-style: chrX-53440040-G-A.
Other names: c.598C>T, p.Gln200Ter (NM_001281463.1); short protein forms Q200*, Q222*.
Identifiers: ClinVar variation 3064229 (VCV003064229.2).
Genomic context (GRCh38, chrX:53,413,090, plus strand): 5'-GTTCCTTGTTGAGCTTCTCAATTTCCACTTCATTATGGTAAAGCTTAAAGAGCTGCAGCT[G>A]TACCTGAGCCCGTACTACCTCATCCTTCAGGCGCTGGTACCGGTCAGCCTGTGCAAACAG-3'